The following is an entry in ClinVar:

NM_003638.3(ITGA8):c.2107C>T (p.Arg703Cys)

Gene: ITGA8 (integrin subunit alpha 8; minus strand). Cytogenetic location: 10p13.
Variant type: single nucleotide variant.
Coding change: c.2107C>T on transcript NM_003638.3 (MANE Select); coding-DNA position 2107, C replaced by T.
Protein change: p.Arg703Cys; replaces arginine 703 with cysteine.
Molecular consequence: missense variant.
Genome position (GRCh38, 1-based): chr10:15,604,219, G>A on the plus strand (C>T on the coding strand, the complement: ITGA8 is on the minus strand). VCF-style: chr10-15604219-G-A. GRCh37 (hg19) VCF-style: chr10-15646218-G-A.
Other names: c.2062C>T, p.Arg688Cys (NM_001291494.2); short protein forms R688C, R703C.
Identifiers: ClinVar variation 2175124 (VCV002175124.4), dbSNP rs150974250, ClinGen allele CA5419980.

ClinVar aggregate classification (germline): Uncertain significance (1 of 4 stars; one submission).

Allele frequency attached by ClinVar (database versions not stated): ESP Exome Variant Server 0.00015; 1000 Genomes Project 30x 0.00016; 1000 Genomes Project 0.00020.
gnomAD v4.1: 104 of 1,609,556 alleles (0.0065%); highest among the groups gnomAD compares: Admixed American, 0.036%; 1 homozygote.

Submission:

Labcorp Genetics (formerly Invitae), Labcorp
Classification: Uncertain significance. Last evaluated: 2024-12-02. Review status: criteria provided, single submitter. Criteria: Invitae Variant Classification Sherloc (09022015). Collection method: clinical testing. Allele origin: germline.
Comment: This sequence change replaces arginine, which is basic and polar, with cysteine, which is neutral and slightly polar, at codon 703 of the ITGA8 protein (p.Arg703Cys). This variant is present in population databases (rs150974250, gnomAD 0.04%). This variant has not been reported in the literature in individuals affected with ITGA8-related conditions. ClinVar contains an entry for this variant (Variation ID: 2175124). Invitae Evidence Modeling of protein sequence and biophysical properties (such as structural, functional, and spatial information, amino acid conservation, physicochemical variation, residue mobility, and thermodynamic stability) has been performed for this missense variant. However, the output from this modeling did not meet the statistical confidence thresholds required to predict the impact of this variant on ITGA8 protein function. In summary, the available evidence is currently insufficient to determine the role of this variant in disease. Therefore, it has been classified as a Variant of Uncertain Significance.